The following is an entry in ClinVar:

ClinVar aggregate classification (germline): Benign. Review status: criteria provided, multiple submitters, no conflicts (2 of 4 stars). 11 submissions from 11 submitters: Benign (8). 3 of the submissions do not count toward it. Last evaluated 2025-03-27.

Conditions:
Polycystic kidney disease, adult type (PKD1). Also called: Polycystic Kidney, Autosomal Dominant; Polycystic Kidney Disease 1, Autosomal Dominant; Polycystic kidney disease 1; Polycystic kidney disease 1, severe; POLYCYSTIC KIDNEY DISEASE 1 WITH OR WITHOUT POLYCYSTIC LIVER DISEASE; POLYCYSTIC KIDNEY DISEASE, ADULT, TYPE I. Identifiers: MedGen C3149841, MONDO:0008263, OMIM 173900.
Polycystic kidney disease. Also called: Polycystic kidney dysplasia; Kidney, Polycystic. Identifiers: MedGen C0022680, MeSH D007690, MONDO:0020642, HP:0000113.

Allele frequency attached by ClinVar (database versions not stated): 1000 Genomes Project 30x 0.00640; 1000 Genomes Project 0.00659; TOPMed 0.01275; ExAC 0.01286; gnomAD exomes 0.01295 and 0.02051; gnomAD 0.01325 and 0.01372; ESP Exome Variant Server 0.01575.
gnomAD v4.1: 31,875 of 1,610,450 alleles (2%); highest among the groups gnomAD compares: Non-Finnish European, 2.4%; 380 homozygotes.

Submissions (11):

Women's Health and Genetics/Laboratory Corporation of America, LabCorp
Classification: Benign. Last evaluated: 2025-03-27. Review status: criteria provided, single submitter. Criteria: LabCorp Variant Classification Summary - May 2015. Collection method: clinical testing. Allele origin: germline.

Blueprint Genetics
Classification: Benign. Last evaluated: 2024-11-27. Review status: criteria provided, single submitter. Criteria: ACMG Guidelines, 2015. Collection method: clinical testing. Allele origin: germline.

Mayo Clinic Laboratories, Mayo Clinic
Classification: Benign. Last evaluated: 2023-09-27. Review status: criteria provided, single submitter. Criteria: ACMG Guidelines, 2015. Collection method: clinical testing. Allele origin: germline. Observed: 14 variant alleles.
Comment: BA1, BP4, BP7

GeneDx
Classification: Benign. Last evaluated: 2019-10-28. Review status: criteria provided, single submitter. Criteria: GeneDx Variant Classification Process June 2021. Collection method: clinical testing. Allele origin: germline. Affected: yes.
Comment: This variant is associated with the following publications: (PMID: 10364515, 11857740, 17574468, 24374109)

ARUP Laboratories, Molecular Genetics and Genomics, ARUP Laboratories
Classification: Benign for Polycystic kidney disease, adult type. Last evaluated: 2018-09-25. Review status: criteria provided, single submitter. Criteria: ARUP Molecular Germline Variant Investigation Process. Collection method: clinical testing. Allele origin: germline.

Athena Diagnostics
Classification: Benign for Polycystic kidney disease, adult type. Last evaluated: 2017-06-09. Review status: criteria provided, single submitter. Criteria: Athena Diagnostics Criteria. Collection method: clinical testing. Allele origin: germline.

Breakthrough Genomics
Classification: Benign. Review status: criteria provided, single submitter. Criteria: ACMG Guidelines, 2015. Collection method: not provided. Allele origin: germline. Inheritance: Autosomal dominant inheritance. Affected: yes.

PreventionGenetics, part of Exact Sciences
Classification: Benign. Review status: criteria provided, single submitter. Criteria: ACMG Guidelines, 2015. Collection method: clinical testing. Allele origin: germline.

Department of Pathology and Laboratory Medicine, Sinai Health System
Classification: Benign for Polycystic Kidney disease. Review status: no assertion criteria provided. Collection method: clinical testing. Allele origin: unknown. Affected: yes. Study: The Canadian Open Genetics Repository (COGR). Not counted in ClinVar's aggregate classification.
Comment: The PKD1 p.Ala898Ala variant was identified in 24 of 1346 proband chromosomes (frequency: 0.02) from individuals or families with ADPKD (Garcia-Gonzalez 2007, McCluskey 2002, Peltola 2005, Rossetti 2002, Rossetti 2012, Tan 2009, Thomas 1999). The variant was identified in dbSNP (ID: rs142357713) as â€šÃ„ÃºN/Aâ€šÃ„Ã¹ and the ADPKD Mutation Database (as likely neutral). This variant was also identified in the 1000 Genomes Project in 33 of 5000 chromosomes (frequency: 0.007), the NHLBI GO Exome Sequencing Project in 188 of 8578 European American and in 16 of 4376 African American alleles, the Exome Aggregation Consortium database (August 8, 2016) in 1479 (11 homozygous) of 115044 chromosomes (freq. 0.01) in the following populations: European in 1216 of 62988 chromosomes (freq. 0.02), Finnish in 109 of 5876 chromosomes (freq. 0.02), Latino in 61 of 11260 chromosomes (freq. 0.005), South Asian in 45 of 16324 chromosomes (freq. 0.003), African in 39 of 9280 chromosomes (freq. 0.004), Other in 9 of 830 chromosomes (freq. 0.01), increasing the likelihood this could be a low frequency benign variant. However we cannot be certain that data from control databases is specific to PKD1 and not from one of the six PKD1 pseudogenes. The p.Ala898Ala variant is not expected to have clinical significance because it does not result in a change of amino acid and is not located in a known consensus splice site. The variant occurs outside of the splicing consensus sequence and 1 of 5 in silico or computational prediction software programs (SpliceSiteFinder, MaxEntScan, NNSPLICE, GeneSplicer, HumanSpliceFinder) predict a greater than 10% difference in splicing; this is not very predictive of pathogenicity. In addition, the variant is classified as a polymorphism by number of population and statistics studies (McCluskey 2002, Peltola 2005, Rossetti 2002, Rossetti 2012, Tan 2009, Thomas 1999). In summary, based on the above information, this variant meets our laboratory criteria to be classified as benign

Joint Genome Diagnostic Labs from Nijmegen and Maastricht, Radboudumc and MUMC+
Classification: Benign. Review status: no assertion criteria provided. Collection method: clinical testing. Allele origin: germline. Affected: yes. Study: VKGL Data-share Consensus. Not counted in ClinVar's aggregate classification.

Laboratory of Diagnostic Genome Analysis, Leiden University Medical Center (LUMC)
Classification: Benign. Review status: no assertion criteria provided. Collection method: clinical testing. Allele origin: germline. Affected: yes. Study: VKGL Data-share Consensus. Not counted in ClinVar's aggregate classification.

Literature cited by the submitters: PubMed 10364515 (cited by Athena Diagnostics); PubMed 24374109 (cited by Athena Diagnostics); PubMed 11857740 (cited by Athena Diagnostics).

NM_001009944.3(PKD1):c.2694A>C (p.Ala898=)

Gene: PKD1 (polycystin 1, transient receptor potential channel interacting; minus strand). Cytogenetic location: 16p13.3.
Variant type: single nucleotide variant.
Coding change: c.2694A>C on transcript NM_001009944.3 (MANE Select); coding-DNA position 2694, A replaced by C.
Protein change: p.Ala898=; no amino-acid change (alanine 898 retained).
Molecular consequence: synonymous variant.
Genome position (GRCh38, 1-based): chr16:2,114,329, T>G on the plus strand (A>C on the coding strand, the complement: PKD1 is on the minus strand). VCF-style: chr16-2114329-T-G. GRCh37 (hg19) VCF-style: chr16-2164330-T-G.
Other names: p.Ala898=; c.2694A>C, p.Ala898= (NM_000296.4).
Identifiers: ClinVar variation 256935 (VCV000256935.21), dbSNP rs142357713, ClinGen allele CA7833130.
Genomic context (GRCh38, chr16:2,114,329, plus strand): 5'-GCTGGCGCTGTTTTCCACCACCACGTCCACCACGTGCTCCCCCTCACTGAGCCACGGCAG[T>G]GCTACCACTGAGAACAGGGTATCGTTGGTCTCCCAGGGGCAGCCGGGCACGAAGGTGGCC-3'
Protein context (NP_001009944.3, residues 888-908): ETNDTLFSVV[Ala898=]LPWLSEGEHV